The following is an entry in ClinVar:

NM_006258.4(PRKG1):c.1229G>A (p.Arg410His)

Gene: PRKG1 (protein kinase cGMP-dependent 1; plus strand). Cytogenetic location: 10q21.1.
Variant type: single nucleotide variant.
Coding change: c.1229G>A on transcript NM_006258.4 (MANE Select); coding-DNA position 1229, G replaced by A.
Protein change: p.Arg410His; replaces arginine 410 with histidine.
Molecular consequence: missense variant.
Genome position (GRCh38, 1-based): chr10:52,271,405, G>A. VCF-style: chr10-52271405-G-A. GRCh37 (hg19) VCF-style: chr10-54031165-G-A.
Other names: c.1229G>A, p.Arg410His (LRG_1135t1); c.1184G>A, p.Arg395His (LRG_1135t2, NM_001098512.3); short protein forms R395H, R410H.
Identifiers: ClinVar variation 520141 (VCV000520141.20), dbSNP rs201147665, ClinGen allele CA5503797.

ClinVar aggregate classification (germline): Uncertain significance. Review status: criteria provided, multiple submitters, no conflicts (2 of 4 stars). 4 submissions from 4 submitters: Uncertain significance (4). Last evaluated 2026-01-28.

Conditions:
Familial thoracic aortic aneurysm and aortic dissection (TAAD). Also called: Thoracic aortic aneurysms and dissections. Identifiers: Orphanet 91387, MedGen C4707243, MONDO:0019625.
Aortic aneurysm, familial thoracic 8 (AAT8). Identifiers: MedGen C3809513, MONDO:0014187, OMIM 615436.

Allele frequency attached by ClinVar (database versions not stated): ExAC 0.00002; gnomAD exomes 0.00002; gnomAD 0.00003; TOPMed 0.00003.
gnomAD v4.1: 57 of 1,612,748 alleles (0.0035%); highest among the groups gnomAD compares: South Asian, 0.0066%; no homozygotes.

Submissions (4):

Labcorp Genetics (formerly Invitae), Labcorp
Classification: Uncertain significance for Aortic aneurysm, familial thoracic 8. Last evaluated: 2026-01-28. Review status: criteria provided, single submitter. Criteria: Invitae Variant Classification Sherloc (09022015). Collection method: clinical testing. Allele origin: germline.
Comment: This sequence change replaces arginine, which is basic and polar, with histidine, which is basic and polar, at codon 410 of the PRKG1 protein (p.Arg410His). This variant is present in population databases (rs201147665, gnomAD 0.007%). This variant has not been reported in the literature in individuals affected with PRKG1-related conditions. ClinVar contains an entry for this variant (Variation ID: 520141). An algorithm developed to predict the effect of missense changes on protein structure and function (PolyPhen-2) suggests that this variant is likely to be tolerated. In summary, the available evidence is currently insufficient to determine the role of this variant in disease. Therefore, it has been classified as a Variant of Uncertain Significance.

Women's Health and Genetics/Laboratory Corporation of America, LabCorp
Classification: Uncertain significance. Last evaluated: 2024-04-14. Review status: criteria provided, single submitter. Criteria: LabCorp Variant Classification Summary - May 2015. Collection method: clinical testing. Allele origin: germline.

GeneDx
Classification: Uncertain significance. Last evaluated: 2024-01-22. Review status: criteria provided, single submitter. Criteria: GeneDx Variant Classification Process June 2021. Collection method: clinical testing. Allele origin: germline. Affected: yes.
Comment: Has not been previously published as pathogenic or benign to our knowledge; Not observed at significant frequency in large population cohorts (gnomAD); In silico analysis supports that this missense variant does not alter protein structure/function

Ambry Genetics
Classification: Uncertain significance for Familial thoracic aortic aneurysm and aortic dissection. Last evaluated: 2021-04-09. Review status: criteria provided, single submitter. Criteria: Ambry Variant Classification Scheme 2023. Collection method: clinical testing. Allele origin: germline.
Comment: The p.R410H variant (also known as c.1229G>A), located in coding exon 11 of the PRKG1 gene, results from a G to A substitution at nucleotide position 1229. The arginine at codon 410 is replaced by histidine, an amino acid with highly similar properties. This amino acid position is highly conserved in available vertebrate species. In addition, this alteration is predicted to be tolerated by in silico analysis. Since supporting evidence is limited at this time, the clinical significance of this alteration remains unclear.